The following is an entry in ClinVar:

ClinVar aggregate classification (germline): Uncertain significance (1 of 4 stars; one submission).

Conditions:
Progressive familial heart block type IB (PFHB1B). Identifiers: Orphanet 871, MedGen C1970298, MONDO:0011474, OMIM 604559.

gnomAD v4.1: 1 of 1,614,102 alleles (0.000062%); highest among the groups gnomAD compares: Non-Finnish European, 0.000085%; no homozygotes.

Submission:

Labcorp Genetics (formerly Invitae), Labcorp
Classification: Uncertain significance for Progressive familial heart block type IB. Last evaluated: 2023-11-30. Review status: criteria provided, single submitter. Criteria: Invitae Variant Classification Sherloc (09022015). Collection method: clinical testing. Allele origin: germline.
Comment: This sequence change replaces serine, which is neutral and polar, with alanine, which is neutral and non-polar, at codon 366 of the TRPM4 protein (p.Ser366Ala). This variant is not present in population databases (gnomAD no frequency). This variant has not been reported in the literature in individuals affected with TRPM4-related conditions. Algorithms developed to predict the effect of missense changes on protein structure and function output the following: SIFT: "Not Available"; PolyPhen-2: "Benign"; Align-GVGD: "Not Available". The alanine amino acid residue is found in multiple mammalian species, which suggests that this missense change does not adversely affect protein function. In summary, the available evidence is currently insufficient to determine the role of this variant in disease. Therefore, it has been classified as a Variant of Uncertain Significance.

NM_017636.4(TRPM4):c.1096T>G (p.Ser366Ala)

Gene: TRPM4 (transient receptor potential cation channel subfamily M member 4; plus strand). Cytogenetic location: 19q13.33.
Variant type: single nucleotide variant.
Coding change: c.1096T>G on transcript NM_017636.4 (MANE Select); coding-DNA position 1096, T replaced by G.
Protein change: p.Ser366Ala; replaces serine 366 with alanine.
Molecular consequence: missense variant. On other transcripts: 5 prime UTR variant (1), intron variant (1).
Genome position (GRCh38, 1-based): chr19:49,172,054, T>G. VCF-style: chr19-49172054-T-G. GRCh37 (hg19) VCF-style: chr19-49675311-T-G.
Other names: c.1096T>G, p.Ser366Ala (NM_001195227.2); c.751T>G, p.Ser251Ala (NM_001321281.2); c.-458T>G (NM_001321282.2); c.574T>G, p.Ser192Ala (NM_001321283.2); c.201+285T>G (NM_001321285.2); short protein forms S366A, S192A, S251A.
Identifiers: ClinVar variation 2699828 (VCV002699828.3), dbSNP rs2514073786, ClinGen allele CA406795357.